The following is an entry in ClinVar:

ClinVar aggregate classification (germline): Pathogenic (1 of 4 stars; one submission).

Allele frequency attached by ClinVar (database versions not stated): gnomAD exomes 0.00003.
gnomAD v4.1: 45 of 1,614,126 alleles (0.0028%); highest among the groups gnomAD compares: Non-Finnish European, 0.0038%; no homozygotes.

Submission:

Labcorp Genetics (formerly Invitae), Labcorp
Classification: Pathogenic. Last evaluated: 2024-02-23. Review status: criteria provided, single submitter. Criteria: Invitae Variant Classification Sherloc (09022015). Collection method: clinical testing. Allele origin: germline.
Comment: This sequence change creates a premature translational stop signal (p.Gln231*) in the IDH3B gene. It is expected to result in an absent or disrupted protein product. Loss-of-function variants in IDH3B are known to be pathogenic (PMID: 18806796). This variant is not present in population databases (gnomAD no frequency). This variant has not been reported in the literature in individuals affected with IDH3B-related conditions. ClinVar contains an entry for this variant (Variation ID: 2135942). Algorithms developed to predict the effect of sequence changes on RNA splicing suggest that this variant may disrupt the consensus splice site. For these reasons, this variant has been classified as Pathogenic.

Literature cited by the submitters: PubMed 18806796.

NM_006899.5(IDH3B):c.691C>T (p.Gln231Ter)

Gene: IDH3B (isocitrate dehydrogenase (NAD(+)) 3 non-catalytic subunit beta; minus strand). Cytogenetic location: 20p13.
Variant type: single nucleotide variant.
Coding change: c.691C>T on transcript NM_006899.5 (MANE Select); coding-DNA position 691, C replaced by T.
Protein change: p.Gln231Ter; replaces glutamine 231 with a stop codon.
Molecular consequence: nonsense. On other transcripts: non-coding transcript variant (1).
Genome position (GRCh38, 1-based): chr20:2,660,340, G>A on the plus strand (C>T on the coding strand, the complement: IDH3B is on the minus strand). VCF-style: chr20-2660340-G-A. GRCh37 (hg19) VCF-style: chr20-2640986-G-A.
Other names: c.691C>T, p.Gln231Ter (NM_001258384.3, NM_001330763.2, NM_174855.4); short protein forms Q231*.
Identifiers: ClinVar variation 2135942 (VCV002135942.4), dbSNP rs2514759456, ClinGen allele CA408036622.
Genomic context (GRCh38, chr20:2,660,340, plus strand): 5'-CTATGATCATTGTCTCAAATTTGATTTTGGGGTACAGTTCAGCAACTTCCTCACAGCACT[G>A]CAGGAACAACCCATCCCCAAGTTTCCTGTCCATGGGCCAAAGGGGACAGAATCAGCCAAG-3'